The following is an entry in ClinVar:

ClinVar aggregate classification (germline): Uncertain significance (1 of 4 stars; one submission).

Allele frequency attached by ClinVar (database versions not stated): gnomAD 0.00001; gnomAD exomes 0.00001.
gnomAD v4.1: 4 of 1,485,356 alleles (0.00027%); highest among the groups gnomAD compares: African/African-American, 0.0015%; no homozygotes.

Submission:

Labcorp Genetics (formerly Invitae), Labcorp
Classification: Uncertain significance. Last evaluated: 2022-10-28. Review status: criteria provided, single submitter. Criteria: Invitae Variant Classification Sherloc (09022015). Collection method: clinical testing. Allele origin: germline.
Comment: This sequence change replaces glutamic acid, which is acidic and polar, with lysine, which is basic and polar, at codon 57 of the RXYLT1 protein (p.Glu57Lys). This variant also falls at the last nucleotide of exon 1, which is part of the consensus splice site for this exon. This variant is present in population databases (no rsID available, gnomAD 0.003%). This variant has not been reported in the literature in individuals affected with RXYLT1-related conditions. ClinVar contains an entry for this variant (Variation ID: 1021232). Algorithms developed to predict the effect of missense changes on protein structure and function (SIFT, PolyPhen-2, Align-GVGD) all suggest that this variant is likely to be tolerated. Variants that disrupt the consensus splice site are a relatively common cause of aberrant splicing (PMID: 17576681, 9536098). Algorithms developed to predict the effect of sequence changes on RNA splicing suggest that this variant may disrupt the consensus splice site. In summary, the available evidence is currently insufficient to determine the role of this variant in disease. Therefore, it has been classified as a Variant of Uncertain Significance.

Literature cited by the submitters: PubMed 17576681; PubMed 9536098.

NM_014254.3(RXYLT1):c.169G>A (p.Glu57Lys)

Gene: RXYLT1 (ribitol xylosyltransferase 1; plus strand). Cytogenetic location: 12q14.2.
Variant type: single nucleotide variant.
Coding change: c.169G>A on transcript NM_014254.3 (MANE Select); coding-DNA position 169, G replaced by A.
Protein change: p.Glu57Lys; replaces glutamic acid 57 with lysine.
Molecular consequence: missense variant. On other transcripts: 5 prime UTR variant (1).
Genome position (GRCh38, 1-based): chr12:63,780,129, G>A. VCF-style: chr12-63780129-G-A. GRCh37 (hg19) VCF-style: chr12-64173909-G-A.
Other names: c.-945G>A (NM_001278237.2); short protein forms E57K.
Identifiers: ClinVar variation 1021232 (VCV001021232.6), dbSNP rs1230589868, ClinGen allele CA385584061.